The following is an entry in ClinVar:

ClinVar aggregate classification (germline): Uncertain significance. Review status: criteria provided, multiple submitters, no conflicts (2 of 4 stars). 3 submissions from 3 submitters: Uncertain significance (3). Last evaluated 2023-09-14.

Conditions:
Oculodentodigital dysplasia, autosomal recessive. Also called: OCULODENTOOSSEOUS DYSPLASIA, AUTOSOMAL RECESSIVE; ODDD, AUTOSOMAL RECESSIVE; ODOD, AUTOSOMAL RECESSIVE. Identifiers: Orphanet 2710, MedGen C2749477, MONDO:0009768, OMIM 257850.
Inborn genetic diseases. Identifiers: MedGen C0950123, MeSH D030342.

Allele frequency attached by ClinVar (database versions not stated): gnomAD 0.00001; gnomAD exomes 0.00001; ExAC 0.00002.
gnomAD v4.1: 19 of 1,613,734 alleles (0.0012%); highest among the groups gnomAD compares: Non-Finnish European, 0.0016%; no homozygotes.

Submissions (3):

Ambry Genetics
Classification: Uncertain significance for Inborn genetic diseases. Last evaluated: 2023-09-14. Review status: criteria provided, single submitter. Criteria: Ambry Variant Classification Scheme 2023. Collection method: clinical testing. Allele origin: germline.

Labcorp Genetics (formerly Invitae), Labcorp
Classification: Uncertain significance for Oculodentodigital dysplasia, autosomal recessive. Last evaluated: 2022-06-11. Review status: criteria provided, single submitter. Criteria: Invitae Variant Classification Sherloc (09022015). Collection method: clinical testing. Allele origin: germline.
Comment: In summary, the available evidence is currently insufficient to determine the role of this variant in disease. Therefore, it has been classified as a Variant of Uncertain Significance. Algorithms developed to predict the effect of missense changes on protein structure and function are either unavailable or do not agree on the potential impact of this missense change (SIFT: "Deleterious"; PolyPhen-2: "Benign"; Align-GVGD: "Class C0"). ClinVar contains an entry for this variant (Variation ID: 1056274). This variant has not been reported in the literature in individuals affected with GJA1-related conditions. This variant is present in population databases (rs764494850, gnomAD 0.003%). This sequence change replaces lysine, which is basic and polar, with glutamic acid, which is acidic and polar, at codon 345 of the GJA1 protein (p.Lys345Glu).

GeneDx
Classification: Uncertain significance. Last evaluated: 2019-07-25. Review status: criteria provided, single submitter. Criteria: GeneDx Variant Classification Process June 2021. Collection method: clinical testing. Allele origin: germline. Affected: yes.
Comment: In silico analysis, which includes protein predictors and evolutionary conservation, supports that this variant does not alter protein structure/function; Has not been previously published as pathogenic or benign to our knowledge

NM_000165.5(GJA1):c.1033A>G (p.Lys345Glu)

Gene: GJA1 (gap junction protein alpha 1; plus strand). Cytogenetic location: 6q22.31.
Variant type: single nucleotide variant.
Coding change: c.1033A>G on transcript NM_000165.5 (MANE Select); coding-DNA position 1033, A replaced by G.
Protein change: p.Lys345Glu; replaces lysine 345 with glutamic acid.
Molecular consequence: missense variant.
Genome position (GRCh38, 1-based): chr6:121,447,880, A>G. VCF-style: chr6-121447880-A-G. GRCh37 (hg19) VCF-style: chr6-121769026-A-G.
Other names: short protein forms K345E.
Identifiers: ClinVar variation 1056274 (VCV001056274.12), dbSNP rs764494850, ClinGen allele CA3981812.